The following is an entry in ClinVar:

ClinVar aggregate classification (germline): Pathogenic (1 of 4 stars; one submission).

Conditions:
DICER1-related tumor predisposition. Also called: DICER1 syndrome; DICER1-related pleuropulmonary blastoma cancer predisposition syndrome. Identifiers: Orphanet 284343, MedGen C3839822, MONDO:0100216.

Submission:

Labcorp Genetics (formerly Invitae), Labcorp
Classification: Pathogenic for DICER1-related tumor predisposition. Last evaluated: 2023-12-27. Review status: criteria provided, single submitter. Criteria: Invitae Variant Classification Sherloc (09022015). Collection method: clinical testing. Allele origin: germline.
Comment: This sequence change creates a premature translational stop signal (p.Phe1758Serfs*80) in the DICER1 gene. It is expected to result in an absent or disrupted protein product. Loss-of-function variants in DICER1 are known to be pathogenic (PMID: 19556464, 21266384). This variant is not present in population databases (gnomAD no frequency). This variant has not been reported in the literature in individuals affected with DICER1-related conditions. For these reasons, this variant has been classified as Pathogenic.

Literature cited by the submitters: PubMed 19556464; PubMed 21266384.

NM_177438.3(DICER1):c.5273del (p.Phe1758fs)

Gene: DICER1 (dicer 1, ribonuclease III; minus strand). Cytogenetic location: 14q32.13.
Variant type: Deletion.
Coding change: c.5273del on transcript NM_177438.3 (MANE Select); coding-DNA position 5273, one base deleted (T; older notation c.5273delT).
Protein change: p.Phe1758fs; shifts the reading frame from phenylalanine 1758.
Molecular consequence: frameshift variant. On other transcripts: non-coding transcript variant (6).
Genome position (GRCh38, 1-based): chr14:95,093,979, A deleted on the plus strand (T on the coding strand, the reverse complement: DICER1 is on the minus strand); the first of 2 consecutive A bases (chr14:95,093,979-95,093,980); deleting either gives the same sequence. VCF-style (leftmost placement, unchanged base first): chr14-95093978-GA-G. GRCh37 (hg19) VCF-style: chr14-95560315-GA-G.
Other names: c.5273del, p.Phe1758fs (NM_001195573.1, NM_001271282.3, NM_001291628.2 and 8 more transcripts); c.5272delT, p.Phe1758Serfs (NM_001395681.1); c.4991del, p.Phe1664fs (NM_001395686.1); c.4868del, p.Phe1623fs (NM_001395687.1, NM_001395688.1, NM_001395689.1 and 1 more transcripts); c.4706del, p.Phe1569fs (NM_001395691.1); c.3590del, p.Phe1197fs (NM_001395697.1); short protein forms F1197fs, F1623fs, F1758fs, F1569fs, F1664fs.
Identifiers: ClinVar variation 2705976 (VCV002705976.3), dbSNP rs2542440600, ClinGen allele CA2697554152.